The following is an entry in ClinVar:

ClinVar aggregate classification (germline): Pathogenic (1 of 4 stars; one submission).

Conditions:
GLUT1 deficiency syndrome 1, autosomal recessive. Identifiers: MedGen C3149117.

Submission:

Labcorp Genetics (formerly Invitae), Labcorp
Classification: Pathogenic for GLUT1 deficiency syndrome 1, autosomal recessive. Last evaluated: 2023-11-27. Review status: criteria provided, single submitter. Criteria: Invitae Variant Classification Sherloc (09022015). Collection method: clinical testing. Allele origin: germline.
Comment: This sequence change replaces serine, which is neutral and polar, with proline, which is neutral and non-polar, at codon 294 of the SLC2A1 protein (p.Ser294Pro). This variant is not present in population databases (gnomAD no frequency). This missense change has been observed in individuals with clinical features of autosomal dominant GLUT1 deficiency (PMID: 20830593, 26193382, 28556183). Advanced modeling of protein sequence and biophysical properties (such as structural, functional, and spatial information, amino acid conservation, physicochemical variation, residue mobility, and thermodynamic stability) performed at Invitae indicates that this missense variant is expected to disrupt SLC2A1 protein function with a positive predictive value of 95%. This variant disrupts the p.Ser294 amino acid residue in SLC2A1. Other variant(s) that disrupt this residue have been determined to be pathogenic (PMID: 21649651; Invitae). This suggests that this residue is clinically significant, and that variants that disrupt this residue are likely to be disease-causing. For these reasons, this variant has been classified as Pathogenic.

Literature cited by the submitters: PubMed 20830593; PubMed 26193382; PubMed 28556183; PubMed 21649651.

NM_006516.4(SLC2A1):c.880T>C (p.Ser294Pro)

Gene: SLC2A1 (solute carrier family 2 member 1; minus strand). Cytogenetic location: 1p34.2.
Variant type: single nucleotide variant.
Coding change: c.880T>C on transcript NM_006516.4 (MANE Select); coding-DNA position 880, T replaced by C.
Protein change: p.Ser294Pro; replaces serine 294 with proline.
Molecular consequence: missense variant.
Genome position (GRCh38, 1-based): chr1:42,929,302, A>G on the plus strand (T>C on the coding strand, the complement: SLC2A1 is on the minus strand). VCF-style: chr1-42929302-A-G. GRCh37 (hg19) VCF-style: chr1-43394973-A-G.
Other names: short protein forms S294P.
Identifiers: ClinVar variation 2733879 (VCV002733879.3), dbSNP rs2524990221, ClinGen allele CA339956928.